The following is an entry in ClinVar:

NM_001903.5(CTNNA1):c.106-3T>C

Gene: CTNNA1 (catenin alpha 1; plus strand). Cytogenetic location: 5q31.2.
Variant type: single nucleotide variant.
Coding change: c.106-3T>C on transcript NM_001903.5 (MANE Select); 3 bases into the intron before coding-DNA position 106, T replaced by C.
Molecular consequence: intron variant.
Genome position (GRCh38, 1-based): chr5:138,783,174, T>C. VCF-style: chr5-138783174-T-C. GRCh37 (hg19) VCF-style: chr5-138118863-T-C.
Other names: c.106-3T>C (NM_001323982.2, NM_001323984.2, NM_001290307.3 and 3 more transcripts); c.-101-3T>C (NM_001290310.3); c.-9+1145T>C (NM_001290309.3).
Identifiers: ClinVar variation 662252 (VCV000662252.17), dbSNP rs369219741, ClinGen allele CA3431361.

ClinVar aggregate classification (germline): Benign/Likely benign. Review status: criteria provided, multiple submitters, no conflicts (2 of 4 stars). 5 submissions from 5 submitters: Benign (1); Likely benign (4). Last evaluated 2026-02-02.

Conditions:
Patterned macular dystrophy 2. Identifiers: Orphanet 99001, MedGen C1837029, MONDO:0012162, OMIM 608970.
Hereditary cancer-predisposing syndrome. Also called: Neoplastic Syndromes, Hereditary; Hereditary Cancer Syndrome; Tumor predisposition; Hereditary neoplastic syndrome. Identifiers: Orphanet 140162, MedGen C0027672, MeSH D009386, MONDO:0015356.
Hereditary diffuse gastric adenocarcinoma (HDGC). Also called: DIFFUSE GASTRIC AND LOBULAR BREAST CANCER SYNDROME. Identifiers: Orphanet 26106, MedGen C1708349, MONDO:0007648, OMIM 137215.

Allele frequency attached by ClinVar (database versions not stated): gnomAD 0.00003; gnomAD exomes 0.00005 and 0.00007; TOPMed 0.00005; ExAC 0.00010; ESP Exome Variant Server 0.00015.
gnomAD v4.1: 68 of 1,566,962 alleles (0.0043%); highest among the groups gnomAD compares: Non-Finnish European, 0.0056%; no homozygotes.

Submissions (5):

Labcorp Genetics (formerly Invitae), Labcorp
Classification: Likely benign. Last evaluated: 2026-02-02. Review status: criteria provided, single submitter. Criteria: Invitae Variant Classification Sherloc (09022015). Collection method: clinical testing. Allele origin: germline.

Center for Genomic Medicine, Rigshospitalet, Copenhagen University Hospital
Classification: Likely benign. Last evaluated: 2025-12-29. Review status: criteria provided, single submitter. Criteria: ACMG Guidelines, 2015. Collection method: clinical testing. Allele origin: germline.

Myriad Genetics, Inc.
Classification: Benign for Hereditary diffuse gastric adenocarcinoma. Last evaluated: 2024-10-09. Review status: criteria provided, single submitter. Criteria: Myriad Autosomal Dominant, Autosomal Recessive and X-Linked Classification Criteria (2023). Collection method: clinical testing. Allele origin: unknown.
Comment: This variant is considered benign. This variant is intronic and is not expected to impact mRNA splicing. This variant has been observed at a population frequency that is significantly greater than expected given the associated disease prevalence and penetrance.

Blueprint Genetics
Classification: Likely benign. Last evaluated: 2022-05-06. Review status: criteria provided, single submitter. Criteria: ACMG Guidelines, 2015. Collection method: clinical testing. Allele origin: germline.

Ambry Genetics
Classification: Likely benign for Hereditary cancer-predisposing syndrome. Last evaluated: 2022-05-03. Review status: criteria provided, single submitter. Criteria: Ambry Variant Classification Scheme 2023. Collection method: clinical testing. Allele origin: germline.